The following is an entry in ClinVar:

NM_006922.4(SCN3A):c.968-2A>C

Gene: SCN3A (sodium voltage-gated channel alpha subunit 3; minus strand). Cytogenetic location: 2q24.3.
Variant type: single nucleotide variant.
Coding change: c.968-2A>C on transcript NM_006922.4 (MANE Select); the canonical splice acceptor site of the intron before coding-DNA position 968, A replaced by C.
Molecular consequence: splice acceptor variant.
Genome position (GRCh38, 1-based): chr2:165,162,373, T>G on the plus strand (A>C on the coding strand, the complement: SCN3A is on the minus strand). VCF-style: chr2-165162373-T-G. GRCh37 (hg19) VCF-style: chr2-166018883-T-G.
Other names: c.968-2A>C (NM_001081676.2, NM_001081677.2).
Identifiers: ClinVar variation 5018226 (VCV005018226.1).
Genomic context (GRCh38, chr2:165,162,373, plus strand): 5'-ATCTGAGCCATTTCCACAGAGTAAAGGGTCTTTTTGCCCATCCAAAACATAAAAGTGACC[T>G]GTTAATACAAAAAAAAACCCATTTTATTTCATATTAATCCTATTCACATTAGTATTAGTA-3'

ClinVar aggregate classification (germline): Uncertain significance (1 of 4 stars; one submission).

Submission:

GeneDx
Classification: Uncertain significance. Last evaluated: 2026-04-07. Review status: criteria provided, single submitter. Criteria: GeneDx Variant Classification Process June 2021. Collection method: clinical testing. Allele origin: germline.
Comment: Not observed at significant frequency in large population cohorts (gnomAD); Canonical splice site variant in a gene or region of a gene for which loss of function is not a well-established mechanism of disease; Has not been previously published as pathogenic or benign to our knowledge.